The following is an entry in ClinVar:

ClinVar aggregate classification (germline): Likely benign. Review status: criteria provided, multiple submitters, no conflicts (2 of 4 stars). 3 submissions from 3 submitters: Likely benign (3). Last evaluated 2025-12-01.

Conditions:
Hereditary spastic paraplegia 50 (SPG50). Also called: Spastic paraplegia 50, autosomal recessive. Identifiers: Orphanet 280763, MedGen C2752008, MONDO:0013048, OMIM 612936.

Allele frequency attached by ClinVar (database versions not stated): ExAC 0.00002; gnomAD exomes 0.00003; gnomAD 0.00008 and 0.00009; TOPMed 0.00010.
gnomAD v4.1: 107 of 1,614,032 alleles (0.0066%); highest among the groups gnomAD compares: Non-Finnish European, 0.0086%; no homozygotes.

Submissions (3):

CeGaT Center for Human Genetics Tuebingen
Classification: Likely benign. Last evaluated: 2025-12-01. Review status: criteria provided, single submitter. Criteria: CeGaT Center For Human Genetics Tuebingen Variant Classification Criteria Version 2. Collection method: clinical testing. Allele origin: germline. Affected: yes. Observed: 1 variant allele.
Comment: AP4M1: BP4, BP7

Labcorp Genetics (formerly Invitae), Labcorp
Classification: Likely benign for Hereditary spastic paraplegia 50. Last evaluated: 2025-06-04. Review status: criteria provided, single submitter. Criteria: Invitae Variant Classification Sherloc (09022015). Collection method: clinical testing. Allele origin: germline.

Blueprint Genetics
Classification: Likely benign. Last evaluated: 2021-10-21. Review status: criteria provided, single submitter. Criteria: ACMG Guidelines, 2015. Collection method: clinical testing. Allele origin: germline.

NM_004722.4(AP4M1):c.771C>T (p.Ser257=)

Gene: AP4M1 (adaptor related protein complex 4 subunit mu 1; plus strand). Cytogenetic location: 7q22.1.
Variant type: single nucleotide variant.
Coding change: c.771C>T on transcript NM_004722.4 (MANE Select); coding-DNA position 771, C replaced by T.
Protein change: p.Ser257=; no amino-acid change (serine 257 retained).
Molecular consequence: synonymous variant.
Genome position (GRCh38, 1-based): chr7:100,105,283, C>T. VCF-style: chr7-100105283-C-T. GRCh37 (hg19) VCF-style: chr7-99702906-C-T.
Other names: c.792C>T, p.Ser264= (NM_001363671.2).
Identifiers: ClinVar variation 696114 (VCV000696114.17), dbSNP rs545459309, ClinGen allele CA4374794.